The following is an entry in ClinVar:

NM_173630.4(RTTN):c.6021C>T (p.Ser2007=)

Gene: RTTN (rotatin; minus strand). Cytogenetic location: 18q22.2.
Variant type: single nucleotide variant.
Coding change: c.6021C>T on transcript NM_173630.4 (MANE Select); coding-DNA position 6021, C replaced by T.
Protein change: p.Ser2007=; no amino-acid change (serine 2007 retained).
Molecular consequence: synonymous variant.
Genome position (GRCh38, 1-based): chr18:70,020,747, G>A on the plus strand (C>T on the coding strand, the complement: RTTN is on the minus strand). VCF-style: chr18-70020747-G-A. GRCh37 (hg19) VCF-style: chr18-67687983-G-A.
Other names: c.3285C>T, p.Ser1095= (NM_001318520.2).
Identifiers: ClinVar variation 737534 (VCV000737534.9), dbSNP rs370896475, ClinGen allele CA8994776.

ClinVar aggregate classification (germline): Conflicting classifications of pathogenicity. Review status: criteria provided, conflicting classifications (1 of 4 stars). 2 submissions from 2 submitters: Uncertain significance (1); Likely benign (1). Last evaluated 2025-11-19.

Allele frequency attached by ClinVar (database versions not stated): gnomAD 0.00011; TOPMed 0.00014; ESP Exome Variant Server 0.00016; gnomAD exomes 0.00022 and 0.00027; ExAC 0.00035.
gnomAD v4.1: 338 of 1,613,946 alleles (0.021%); highest among the groups gnomAD compares: Non-Finnish European, 0.024%; no homozygotes.

Submissions (2):

Labcorp Genetics (formerly Invitae), Labcorp
Classification: Likely benign. Last evaluated: 2025-11-19. Review status: criteria provided, single submitter. Criteria: Invitae Variant Classification Sherloc (09022015). Collection method: clinical testing. Allele origin: germline.

GeneDx
Classification: Uncertain significance. Last evaluated: 2023-11-29. Review status: criteria provided, single submitter. Criteria: GeneDx Variant Classification Process June 2021. Collection method: clinical testing. Allele origin: germline. Affected: yes.
Comment: Has not been previously published as pathogenic or benign to our knowledge; In silico analysis is inconclusive as to whether the variant alters gene splicing. In the absence of RNA/functional studies, the actual effect of this sequence change is unknown.